The following is an entry in ClinVar:

NM_000455.5(STK11):c.1244G>C (p.Arg415Pro)

Gene: STK11 (serine/threonine kinase 11; plus strand). Cytogenetic location: 19p13.3.
Variant type: single nucleotide variant.
Coding change: c.1244G>C on transcript NM_000455.5 (MANE Select); coding-DNA position 1244, G replaced by C.
Protein change: p.Arg415Pro; replaces arginine 415 with proline.
Molecular consequence: missense variant.
Genome position (GRCh38, 1-based): chr19:1,226,589, G>C. VCF-style: chr19-1226589-G-C. GRCh37 (hg19) VCF-style: chr19-1226588-G-C.
Other names: short protein forms R415P.
Identifiers: ClinVar variation 480710 (VCV000480710.18), dbSNP rs775978755, ClinGen allele CA402953972.
Genomic context (GRCh38, chr19:1,226,589, plus strand): 5'-CAGAGGCGGCGCAGCTGAGCACCAAATCCAGGGCGGAGGGCCGGGCCCCCAACCCTGCCC[G>C]CAAGGCCTGCTCCGCCAGCAGCAAGATCCGCCGGCTGTCGGCCTGCAAGCAGCAGTGAGG-3'
Protein context (NP_000446.1, residues 405-425): RAEGRAPNPA[Arg415Pro]KACSASSKIR

ClinVar aggregate classification (germline): Uncertain significance. Review status: criteria provided, multiple submitters, no conflicts (2 of 4 stars). 3 submissions from 3 submitters: Uncertain significance (3). Last evaluated 2025-03-06.

Conditions:
Hereditary cancer-predisposing syndrome. Also called: Hereditary neoplastic syndrome; Neoplastic Syndromes, Hereditary; Tumor predisposition; Hereditary Cancer Syndrome. Identifiers: Orphanet 140162, MedGen C0027672, MeSH D009386, MONDO:0015356.
Peutz-Jeghers syndrome (PJS). Also called: POLYPOSIS, HAMARTOMATOUS INTESTINAL; POLYPS-AND-SPOTS SYNDROME; Peutz-Jeghers polyposis; Periorificial lentiginosis syndrome. Identifiers: Orphanet 2869, MedGen C0031269, MeSH D010580, MONDO:0008280, OMIM 175200.

gnomAD v4.1: 1 of 1,571,376 alleles (0.000064%); highest among the groups gnomAD compares: South Asian, 0.0012%; no homozygotes.

Submissions (3):

Labcorp Genetics (formerly Invitae), Labcorp
Classification: Uncertain significance for Peutz-Jeghers syndrome. Last evaluated: 2025-03-06. Review status: criteria provided, single submitter. Criteria: Invitae Variant Classification Sherloc (09022015). Collection method: clinical testing. Allele origin: germline.
Comment: This sequence change replaces arginine, which is basic and polar, with proline, which is neutral and non-polar, at codon 415 of the STK11 protein (p.Arg415Pro). The frequency data for this variant in the population databases is considered unreliable, as metrics indicate poor data quality at this position in the gnomAD database. This variant has not been reported in the literature in individuals affected with STK11-related conditions. ClinVar contains an entry for this variant (Variation ID: 480710). Invitae Evidence Modeling of protein sequence and biophysical properties (such as structural, functional, and spatial information, amino acid conservation, physicochemical variation, residue mobility, and thermodynamic stability) indicates that this missense variant is not expected to disrupt STK11 protein function with a negative predictive value of 95%. In summary, the available evidence is currently insufficient to determine the role of this variant in disease. Therefore, it has been classified as a Variant of Uncertain Significance.

Ambry Genetics
Classification: Uncertain significance for Hereditary cancer-predisposing syndrome. Last evaluated: 2024-03-28. Review status: criteria provided, single submitter. Criteria: Ambry Variant Classification Scheme 2023. Collection method: clinical testing. Allele origin: germline.
Comment: The p.R415P variant (also known as c.1244G>C), located in coding exon 9 of the STK11 gene, results from a G to C substitution at nucleotide position 1244. The arginine at codon 415 is replaced by proline, an amino acid with dissimilar properties. This amino acid position is highly conserved in available vertebrate species. In addition, this alteration is predicted to be deleterious by in silico analysis. Since supporting evidence is limited at this time, the clinical significance of this alteration remains unclear.

Genome-Nilou Lab
Classification: Uncertain significance for Peutz-Jeghers syndrome. Last evaluated: 2021-07-15. Review status: criteria provided, single submitter. Criteria: ACMG Guidelines, 2015. Collection method: clinical testing. Allele origin: germline. Affected: no.